The following is an entry in ClinVar:

NM_006767.4(LZTR1):c.1475_1478dup (p.Arg494fs)

Gene: LZTR1 (leucine zipper like post translational regulator 1; plus strand). Cytogenetic location: 22q11.21.
Variant type: Duplication.
Coding change: c.1475_1478dup on transcript NM_006767.4 (MANE Select); coding-DNA positions 1475 to 1478, 4 bases duplicated (TTCC; older notation c.1475_1478dupTTCC).
Protein change: p.Arg494fs; shifts the reading frame from arginine 494.
Molecular consequence: frameshift variant.
Genome position (GRCh38, 1-based): chr22:20,994,129-20,994,132, TTCC duplicated. VCF-style (leftmost placement, unchanged base first): chr22-20994128-G-GTTCC. GRCh37 (hg19) VCF-style: chr22-21348417-G-GTTCC.
Other names: short protein forms R494fs.
Identifiers: ClinVar variation 4728538 (VCV004728538.1).

ClinVar aggregate classification (germline): Pathogenic (1 of 4 stars; one submission).

Submission:

Labcorp Genetics (formerly Invitae), Labcorp
Classification: Pathogenic. Last evaluated: 2025-10-06. Review status: criteria provided, single submitter. Criteria: Invitae Variant Classification Sherloc (09022015). Collection method: clinical testing. Allele origin: germline.
Comment: This sequence change creates a premature translational stop signal (p.Arg494Serfs*176) in the LZTR1 gene. It is expected to result in an absent or disrupted protein product. Loss-of-function variants in LZTR1 are known to be pathogenic (PMID: 24362817, 25335493, 25480913, 25795793, 29469822, 30368668, 30442762, 30442766, 30481304, 30859559). This variant is not present in population databases (gnomAD no frequency). This variant has not been reported in the literature in individuals affected with LZTR1-related conditions. For these reasons, this variant has been classified as Pathogenic.

Literature cited by the submitters: PubMed 24362817; PubMed 25335493; PubMed 25480913; PubMed 25795793; PubMed 29469822; PubMed 30368668; PubMed 30442762; PubMed 30442766; PubMed 30481304; PubMed 30859559.